The following is an entry in ClinVar:

NM_000153.4(GALC):c.1366C>G (p.Leu456Val)

Gene: GALC (galactosylceramidase; minus strand). Cytogenetic location: 14q31.3.
Variant type: single nucleotide variant.
Coding change: c.1366C>G on transcript NM_000153.4 (MANE Select); coding-DNA position 1366, C replaced by G.
Protein change: p.Leu456Val; replaces leucine 456 with valine.
Molecular consequence: missense variant.
Genome position (GRCh38, 1-based): chr14:87,947,851, G>C on the plus strand (C>G on the coding strand, the complement: GALC is on the minus strand). VCF-style: chr14-87947851-G-C. GRCh37 (hg19) VCF-style: chr14-88414195-G-C.
Other names: c.1297C>G, p.Leu433Val (NM_001201401.2); c.1288C>G, p.Leu430Val (NM_001201402.2); short protein forms L456V, L433V, L430V.
Identifiers: ClinVar variation 2043516 (VCV002043516.4), dbSNP rs2139956743, ClinGen allele CA390746624.

ClinVar aggregate classification (germline): Uncertain significance (1 of 4 stars; one submission).

Conditions:
Galactosylceramide beta-galactosidase deficiency. Also called: Leukodystrophy, Globoid Cell; GALACTOCEREBROSIDASE DEFICIENCY; GALC DEFICIENCY; GLOBOID CELL LEUKOENCEPHALOPATHY; Krabbe Disease. Identifiers: Orphanet 487, MedGen C0023521, MONDO:0009499, OMIM 245200.

Submission:

Labcorp Genetics (formerly Invitae), Labcorp
Classification: Uncertain significance for Galactosylceramide beta-galactosidase deficiency. Last evaluated: 2021-12-16. Review status: criteria provided, single submitter. Criteria: Invitae Variant Classification Sherloc (09022015). Collection method: clinical testing. Allele origin: germline.
Comment: Algorithms developed to predict the effect of sequence changes on RNA splicing suggest that this variant may create or strengthen a splice site. In summary, the available evidence is currently insufficient to determine the role of this variant in disease. Therefore, it has been classified as a Variant of Uncertain Significance. Advanced modeling of protein sequence and biophysical properties (such as structural, functional, and spatial information, amino acid conservation, physicochemical variation, residue mobility, and thermodynamic stability) performed at Invitae indicates that this missense variant is not expected to disrupt GALC protein function. This variant has not been reported in the literature in individuals affected with GALC-related conditions. This variant is not present in population databases (gnomAD no frequency). This sequence change replaces leucine, which is neutral and non-polar, with valine, which is neutral and non-polar, at codon 456 of the GALC protein (p.Leu456Val).